The following is an entry in ClinVar:

ClinVar aggregate classification (germline): Likely benign. Review status: criteria provided, single submitter (1 of 4 stars). 2 submissions from 2 submitters: Likely benign (1). 1 of the submissions does not count toward it. Last evaluated 2025-06-13.

Conditions:
CACNA1S-related disorder. Also called: CACNA1S-related condition.
Malignant hyperthermia, susceptibility to, 5 (MHS5). Also called: CACNA1S-Related Malignant Hyperthermia Susceptibility. Identifiers: Orphanet 423, MedGen C1866077, MONDO:0011163, OMIM 601887.
Hypokalemic periodic paralysis, type 1. Also called: Hypokalemic Periodic Paralysis Type 1 (AD); HypoPP. Identifiers: Orphanet 681, MedGen C3714580, MONDO:0042979, OMIM 170400.

Allele frequency attached by ClinVar (database versions not stated): gnomAD exomes below 0.00001; gnomAD 0.00001.

Submissions (2):

Labcorp Genetics (formerly Invitae), Labcorp
Classification: Likely benign for Hypokalemic periodic paralysis, type 1; Malignant hyperthermia, susceptibility to, 5. Last evaluated: 2025-06-13. Review status: criteria provided, single submitter. Criteria: Invitae Variant Classification Sherloc (09022015). Collection method: clinical testing. Allele origin: germline.

PreventionGenetics, part of Exact Sciences
Classification: Likely benign for CACNA1S-related condition. Last evaluated: 2020-12-30. Review status: no assertion criteria provided. Collection method: clinical testing. Allele origin: germline. Not counted in ClinVar's aggregate classification.
Comment: This variant is classified as likely benign based on ACMG/AMP sequence variant interpretation guidelines (Richards et al. 2015 PMID: 25741868, with internal and published modifications).

NM_000069.3(CACNA1S):c.1827+10C>T

Gene: CACNA1S (calcium voltage-gated channel subunit alpha1 S; minus strand). Cytogenetic location: 1q32.1.
Variant type: single nucleotide variant.
Coding change: c.1827+10C>T on transcript NM_000069.3 (MANE Select); 10 bases into the intron after coding-DNA position 1827, C replaced by T.
Molecular consequence: intron variant.
Genome position (GRCh38, 1-based): chr1:201,076,910, G>A on the plus strand (C>T on the coding strand, the complement: CACNA1S is on the minus strand). VCF-style: chr1-201076910-G-A. GRCh37 (hg19) VCF-style: chr1-201046038-G-A.
Other names: c.1827+10C>T (NM_000069.2).
Identifiers: ClinVar variation 2179195 (VCV002179195.6), dbSNP rs2102142201, ClinGen allele CA2573983249.
Genomic context (GRCh38, chr1:201,076,910, plus strand): 5'-TGATCTTGAAGGACAAGAAGCAGGATTCAGCAACCGTTCAGAAGGAGGGACACGCAGAGG[G>A]AGAGCCTACCTGGAAGACGCTGATGAGGGCTTGGGGAAAGTTGTCAAAGTTGCTGCGCCG-3'